The following is an entry in ClinVar:

ClinVar aggregate classification (germline): Pathogenic (1 of 4 stars; one submission).

Conditions:
Hereditary breast ovarian cancer syndrome. Also called: BRCA1- and BRCA2-Associated Hereditary Breast and Ovarian Cancer; Hereditary breast and ovarian cancer; Hereditary breast and ovarian cancer syndrome (HBOC); Hereditary breast and ovarian cancer syndrome; Hereditary breast and/or ovarian cancer syndrome; Breast and ovarian cancer. Identifiers: Orphanet 145, MedGen C0677776, MeSH D061325, MONDO:0003582. Disease mechanism: loss of function.

Submission:

Labcorp Genetics (formerly Invitae), Labcorp
Classification: Pathogenic for Hereditary breast ovarian cancer syndrome. Last evaluated: 2025-01-20. Review status: criteria provided, single submitter. Criteria: Invitae Variant Classification Sherloc (09022015). Collection method: clinical testing. Allele origin: germline.
Comment: This sequence change creates a premature translational stop signal (p.Glu3256*) in the BRCA2 gene. While this is not anticipated to result in nonsense mediated decay, it is expected to disrupt the last 163 amino acid(s) of the BRCA2 protein. This variant is not present in population databases (gnomAD no frequency). This variant has not been reported in the literature in individuals affected with BRCA2-related conditions. ClinVar contains an entry for this variant (Variation ID: 2700032). RNA analysis performed to evaluate the impact of this premature translational stop signal on mRNA splicing indicates it does not significantly alter splicing (internal data). This variant disrupts a region of the BRCA2 protein in which other variant(s) (p.Tyr3308*) have been determined to be pathogenic (PMID: 17026620, 18593900, 18607349, 22711857). This suggests that this is a clinically significant region of the protein, and that variants that disrupt it are likely to be disease-causing. For these reasons, this variant has been classified as Pathogenic.

Literature cited by the submitters: PubMed 17026620; PubMed 18593900; PubMed 18607349; PubMed 22711857.

NM_000059.4(BRCA2):c.9766G>T (p.Glu3256Ter)

Gene: BRCA2 (BRCA2 DNA repair associated; plus strand). Cytogenetic location: 13q13.1.
Variant type: single nucleotide variant.
Coding change: c.9766G>T on transcript NM_000059.4 (MANE Select); coding-DNA position 9766, G replaced by T.
Protein change: p.Glu3256Ter; replaces glutamic acid 3256 with a stop codon.
Molecular consequence: nonsense. On other transcripts: non-coding transcript variant (1).
Genome position (GRCh38, 1-based): chr13:32,398,279, G>T. VCF-style: chr13-32398279-G-T. GRCh37 (hg19) VCF-style: chr13-32972416-G-T.
Other names: c.9670G>T, p.Glu3224Ter (NM_001406719.1); c.9715G>T, p.Glu3239Ter (NM_001406720.1); c.4834G>T, p.Glu1612Ter (NM_001406721.1); c.3349G>T, p.Glu1117Ter (NM_001406722.1); short protein forms E1612*, E3256*, E3224*, E1117*, E3239*.
Identifiers: ClinVar variation 2700032 (VCV002700032.3), dbSNP rs1555289952, ClinGen allele CA387765778.